The following is an entry in ClinVar:

ClinVar aggregate classification (germline): Pathogenic (1 of 4 stars; one submission).

Conditions:
Hypertrophic osteoarthropathy, primary, autosomal recessive, 2 (PHOAR2E). Also called: PACHYDERMOPERIOSTOSIS, AUTOSOMAL RECESSIVE; PDP, AUTOSOMAL RECESSIVE; HYPERTROPHIC OSTEOARTHROPATHY, PRIMARY, AUTOSOMAL RECESSIVE, 2/ENTEROPATHY SYNDROME; PHOAR2-enteropathy syndrome. Identifiers: Orphanet 2796, MedGen C3280800, MONDO:0013756, OMIM 614441.

Submission:

3billion
Classification: Pathogenic for Hypertrophic osteoarthropathy, primary, autosomal recessive, 2. Last evaluated: 2024-06-22. Review status: criteria provided, single submitter. Criteria: ACMG Guidelines, 2015. Collection method: clinical testing. Allele origin: germline. Affected: yes.
Comment: The variant is observed at an extremely low frequency in the gnomAD v4.0.0 dataset (total allele frequency: <0.001%). Predicted Consequence/Location: Frameshift: predicted to result in a loss or disruption of normal protein function through nonsense-mediated decay (NMD) or protein truncation. Multiple pathogenic variants are reported downstream of the variant. The variant has been reported to be associated with SLCO2A1 related disorder (PMID: 28425581). Therefore, this variant is classified as Pathogenic according to the recommendation of ACMG/AMP guideline.

Literature cited by the submitters: PubMed 28425581.

NM_005630.3(SLCO2A1):c.1293del (p.Ser432fs)

Gene: SLCO2A1 (solute carrier organic anion transporter family member 2A1; minus strand). Cytogenetic location: 3q22.1.
Variant type: Deletion.
Coding change: c.1293del on transcript NM_005630.3 (MANE Select); coding-DNA position 1293, one base deleted (T; older notation c.1293delT).
Protein change: p.Ser432fs; shifts the reading frame from serine 432.
Molecular consequence: frameshift variant.
Genome position (GRCh38, 1-based): chr3:133,947,258, A deleted on the plus strand (T on the coding strand, the reverse complement: SLCO2A1 is on the minus strand). VCF-style (leftmost placement, unchanged base first): chr3-133947257-TA-T. GRCh37 (hg19) VCF-style: chr3-133666101-TA-T.
Other names: short protein forms S432fs.
Identifiers: ClinVar variation 4292998 (VCV004292998.1).